The following is an entry in ClinVar:

ClinVar aggregate classification (germline): Uncertain significance. Review status: criteria provided, multiple submitters, no conflicts (2 of 4 stars). 3 submissions from 3 submitters: Uncertain significance (3). Last evaluated 2024-11-19.

Conditions:
Congenital brain dysgenesis due to glutamine synthetase deficiency (GLND). Also called: GLUTAMINE SYNTHASE DEFICIENCY, CONGENITAL SYSTEMIC. Identifiers: Orphanet 71278, MedGen C1864910, MONDO:0012393, OMIM 610015.

Allele frequency attached by ClinVar (database versions not stated): gnomAD 0.00003 and 0.00001; 1000 Genomes Project 30x 0.00047; TOPMed 0.00001; 1000 Genomes Project 0.00040; ExAC 0.00005; ESP Exome Variant Server 0.00008.

Submissions (3):

Mayo Clinic Laboratories, Mayo Clinic
Classification: Uncertain significance. Last evaluated: 2024-11-19. Review status: criteria provided, single submitter. Criteria: ACMG Guidelines, 2015. Collection method: clinical testing. Allele origin: germline. Observed: 1 variant allele.
Comment: BS2

Labcorp Genetics (formerly Invitae), Labcorp
Classification: Uncertain significance for Congenital brain dysgenesis due to glutamine synthetase deficiency. Last evaluated: 2022-08-16. Review status: criteria provided, single submitter. Criteria: Invitae Variant Classification Sherloc (09022015). Collection method: clinical testing. Allele origin: germline.
Comment: ClinVar contains an entry for this variant (Variation ID: 432767). In summary, the available evidence is currently insufficient to determine the role of this variant in disease. Therefore, it has been classified as a Variant of Uncertain Significance. Algorithms developed to predict the effect of missense changes on protein structure and function are either unavailable or do not agree on the potential impact of this missense change (SIFT: "Deleterious"; PolyPhen-2: "Benign"; Align-GVGD: "Class C0"). This variant has not been reported in the literature in individuals affected with GLUL-related conditions. This variant is present in population databases (rs181868091, gnomAD 0.02%). This sequence change replaces arginine, which is basic and polar, with histidine, which is basic and polar, at codon 286 of the GLUL protein (p.Arg286His).

GeneDx
Classification: Uncertain significance. Last evaluated: 2017-06-19. Review status: criteria provided, single submitter. Criteria: GeneDx Variant Classification (06012015). Collection method: clinical testing. Allele origin: germline. Affected: yes.
Comment: The R286H variant in the GLUL gene has not been reported previously as a pathogenic variant, nor as a benign variant, to our knowledge. The R286H variant is observed in 2/10,404 (0.019%) alleles from individuals of African background, with no homozygous individuals reported, in the ExAC dataset (Lek et al., 2016). The R286H variant is a conservative amino acid substitution, which is not likely to impact secondary protein structure as these residues share similar properties. This substitution occurs at a position that is not conserved, however, in silico analysis predicts this variant is probably damaging to the protein structure/function. We interpret R286H as a variant of uncertain significance.

Literature cited by the submitters: PubMed 32267060 (cited by Mayo Clinic Laboratories, Mayo Clinic).

NM_001033044.4(GLUL):c.857G>A (p.Arg286His)

Gene: GLUL (glutamate-ammonia ligase; minus strand). Cytogenetic location: 1q25.3.
Variant type: single nucleotide variant.
Coding change: c.857G>A on transcript NM_001033044.4 (MANE Select); coding-DNA position 857, G replaced by A.
Protein change: p.Arg286His; replaces arginine 286 with histidine.
Molecular consequence: missense variant.
Genome position (GRCh38, 1-based): chr1:182,384,670, C>T on the plus strand (G>A on the coding strand, the complement: GLUL is on the minus strand). VCF-style: chr1-182384670-C-T. GRCh37 (hg19) VCF-style: chr1-182353805-C-T.
Other names: p.Arg286His; c.857G>A, p.Arg286His (NM_001033056.4, NM_002065.7); short protein forms R286H.
Identifiers: ClinVar variation 432767 (VCV000432767.8), dbSNP rs181868091, ClinGen allele CA1277011.